The following is an entry in ClinVar:

NM_017534.6(MYH2):c.904+1G>C

Genes: MYH2 (myosin heavy chain 2; minus strand), MYHAS (myosin heavy chain gene cluster antisense RNA; plus strand). Cytogenetic location: 17p13.1.
Variant type: single nucleotide variant.
Coding change: c.904+1G>C on transcript NM_017534.6 (MANE Select); the canonical splice donor site of the intron after coding-DNA position 904, G replaced by C.
Molecular consequence: splice donor variant.
Genome position (GRCh38, 1-based): chr17:10,542,874, C>G on the plus strand (G>C on the coding strand, the complement: MYH2 is on the minus strand). VCF-style: chr17-10542874-C-G. GRCh37 (hg19) VCF-style: chr17-10446191-C-G.
Other names: NM_001100112.2:c.904+1G>C; c.904+1G>C (NM_001100112.2).
Identifiers: ClinVar variation 2500951 (VCV002500951.2), dbSNP rs879255253, ClinGen allele CA287747654.
Genomic context (GRCh38, chr17:10,542,874, plus strand): 5'-GGACTGTGCATTGATAGGTACTGATGCAGTAATTCTGGAAAAGAATTATGACATTTCTTA[C>G]CAATAAGTTCTGGTTTCTTATTCGATGTAATCTGGTAAAAAATATGATAACTTCTCTCAG-3'

ClinVar aggregate classification (germline): Conflicting classifications of pathogenicity. Review status: criteria provided, conflicting classifications (1 of 4 stars). 2 submissions from 2 submitters: Pathogenic (1); Uncertain significance (1). Last evaluated 2025-03-17.

Conditions:
Myopathy, proximal, and ophthalmoplegia (CMYO6). Also called: MYOPATHY WITH CONGENITAL JOINT CONTRACTURES, OPHTHALMOPLEGIA, AND RIMMED VACUOLES; CONGENITAL MYOPATHY 6 WITH OPHTHALMOPLEGIA; INCLUSION BODY MYOPATHY 3, AUTOSOMAL DOMINANT. Identifiers: Orphanet 363677, Orphanet 79091, MedGen C1854106, MONDO:0011577, OMIM 605637.

gnomAD v4.1: 56 of 1,576,306 alleles (0.0036%); highest among the groups gnomAD compares: Non-Finnish European, 0.0049%; no homozygotes.

Submissions (2):

Labcorp Genetics (formerly Invitae), Labcorp
Classification: Pathogenic for Myopathy, proximal, and ophthalmoplegia. Last evaluated: 2025-03-17. Review status: criteria provided, single submitter. Criteria: Invitae Variant Classification Sherloc (09022015). Collection method: clinical testing. Allele origin: germline.
Comment: This sequence change affects a donor splice site in intron 10 of the MYH2 gene. It is expected to disrupt RNA splicing. Variants that disrupt the donor or acceptor splice site typically lead to a loss of protein function (PMID: 16199547), and loss-of-function variants in MYH2 are known to be pathogenic (PMID: 20418530, 23388406, 24193343). This variant is present in population databases (no rsID available, gnomAD 0.0009%). Disruption of this splice site has been observed in individual(s) with autosomal recessive MYH2-related conditions (PMID: 20418530). In at least one individual the data is consistent with being in trans (on the opposite chromosome) from a pathogenic variant. It has also been observed to segregate with disease in related individuals. ClinVar contains an entry for this variant (Variation ID: 2500951). Algorithms developed to predict the effect of sequence changes on RNA splicing suggest that this variant may disrupt the consensus splice site. For these reasons, this variant has been classified as Pathogenic.

Broad Center for Mendelian Genomics, Broad Institute of MIT and Harvard
Classification: Uncertain significance for Myopathy, proximal, and ophthalmoplegia. Last evaluated: 2023-05-02. Review status: criteria provided, single submitter. Criteria: ACMG Guidelines, 2015. Collection method: curation. Allele origin: germline. Inheritance: Autosomal recessive inheritance.
Comment: The c.904+1G>C variant in MYH2 has not been previously reported in individuals with autosomal recessive proximal myopathy and ophthalmoplegia, but has been identified in 0.0009% (1/112616) of European (non-Finnish) chromosomes by the Genome Aggregation Database (gnomAD; dbSNP ID: rs879255253). Although this variant has been seen in the general population in a heterozygous state, its frequency is low enough to be consistent with a recessive carrier frequency. A different nucleotide change that also results in a splice donor variant at the same site, c.904+1G>A (ClinVar Variation ID: 183661) has been previously reported pathogenic, and the variant being assessed here, c.904+1G>C, is predicted by SpliceAI to have a similar effect on splicing. This variant is located in the 5' splice region. Computational tools predict a splicing impact, though this information is not predictive enough to determine pathogenicity. There is an in-frame cryptic splice site 99 bases from the intron-exon boundary, providing evidence that this variant may delete 33 amino acids instead of causing loss of function. However, this information is not predictive enough to determine pathogenicity. Loss of function of the MYH2 gene is an established disease mechanism in autosomal recessive proximal myopathy and ophthalmoplegia. In summary, while there is some suspicion for a pathogenic role, the clinical significance of this variant is uncertain. ACMG/AMP Criteria applied: PVS1_Moderate, PS1_Supporting, PM2_Supporting, PM3_Supporting (Richards 2015).

Literature cited by the submitters: PubMed 16199547 (cited by Labcorp Genetics (formerly Invitae), Labcorp); PubMed 20418530 (cited by Labcorp Genetics (formerly Invitae), Labcorp); PubMed 23388406 (cited by Labcorp Genetics (formerly Invitae), Labcorp); PubMed 24193343 (cited by Labcorp Genetics (formerly Invitae), Labcorp).